The following is an entry in ClinVar:

ClinVar aggregate classification (germline): Likely pathogenic (1 of 4 stars; one submission).

Conditions:
Clubfoot. Also called: Club foot; Talipes equinovarus; CLUBFOOT, CONGENITAL, WITH OR WITHOUT DEFICIENCY OF LONG BONES AND/OR MIRROR-IMAGE POLYDACTYLY; Clubfeet; congenital talipes equinovarus. Identifiers: Orphanet 199315, MedGen C0009081, MONDO:0007342, OMIM 119800, HP:0001762.

Submission:

3billion
Classification: Likely pathogenic for Clubfoot. Last evaluated: 2025-07-19. Review status: criteria provided, single submitter. Criteria: ACMG Guidelines, 2015. Collection method: clinical testing. Allele origin: germline. Affected: yes.
Comment: The variant is not observed in the gnomAD v4.1.0 dataset. Predicted Consequence/Location: Stop-gained (nonsense): predicted to result in a loss or disruption of normal protein function through protein truncation. The predicted truncated protein may be shortened by more than 10%. Therefore, this variant is classified as Likely pathogenic according to the recommendation of ACMG/AMP guideline.

NM_002653.5(PITX1):c.792C>G (p.Tyr264Ter)

Gene: PITX1 (paired like homeodomain 1; minus strand). Cytogenetic location: 5q31.1.
Variant type: single nucleotide variant.
Coding change: c.792C>G on transcript NM_002653.5 (MANE Select); coding-DNA position 792, C replaced by G.
Protein change: p.Tyr264Ter; replaces tyrosine 264 with a stop codon.
Molecular consequence: nonsense.
Genome position (GRCh38, 1-based): chr5:135,028,932, G>C on the plus strand (C>G on the coding strand, the complement: PITX1 is on the minus strand). VCF-style: chr5-135028932-G-C. GRCh37 (hg19) VCF-style: chr5-134364622-G-C.
Other names: short protein forms Y264*.
Identifiers: ClinVar variation 4856054 (VCV004856054.1).
Genomic context (GRCh38, chr5:135,028,932, plus strand): 5'-GCTGGCTAGGCTCGAGTTGCACGTGTCCCGGTAGACGCTGTAGGGCGAGGCGGGAGTGCC[G>C]TACGGGCAAGCGCCCGGCGACATGGCCGAGTTGAGCGAGGAGCCGGTGAGGTTGTTGATG-3'